The following is an entry in ClinVar:

ClinVar aggregate classification (germline): Pathogenic. Review status: criteria provided, multiple submitters, no conflicts (2 of 4 stars). 4 submissions from 4 submitters: Pathogenic (4). Last evaluated 2025-04-18.

Conditions:
Hereditary cancer-predisposing syndrome. Also called: Tumor predisposition; Neoplastic Syndromes, Hereditary; Hereditary Cancer Syndrome; Hereditary neoplastic syndrome. Identifiers: Orphanet 140162, MedGen C0027672, MeSH D009386, MONDO:0015356.
Ataxia-telangiectasia syndrome (AT). Also called: Ataxia-telangiectasia; LOUIS-BAR SYNDROME; Ataxia-telangiectasia, complementation group D; AT, COMPLEMENTATION GROUP C; ATAXIA-TELANGIECTASIA, COMPLEMENTATION GROUP A; ATAXIA-TELANGIECTASIA, FRESNO VARIANT. Identifiers: Orphanet 100, MedGen C0004135, MONDO:0008840, OMIM 208900.
Familial cancer of breast. Also called: BREAST CANCER, FAMILIAL; Hereditary breast cancer; hereditary breast carcinoma. Identifiers: Orphanet 227535, MedGen C0346153, MONDO:0016419, OMIM 114480. Disease mechanism: loss of function.

Submissions (4):

Labcorp Genetics (formerly Invitae), Labcorp
Classification: Pathogenic for Ataxia-telangiectasia syndrome. Last evaluated: 2025-04-18. Review status: criteria provided, single submitter. Criteria: Invitae Variant Classification Sherloc (09022015). Collection method: clinical testing. Allele origin: germline.
Comment: This sequence change creates a premature translational stop signal (p.Tyr2755*) in the ATM gene. It is expected to result in an absent or disrupted protein product. Loss-of-function variants in ATM are known to be pathogenic (PMID: 23807571, 25614872). This variant is not present in population databases (gnomAD no frequency). This variant has not been reported in the literature in individuals affected with ATM-related conditions. ClinVar contains an entry for this variant (Variation ID: 1455284). For these reasons, this variant has been classified as Pathogenic.

Myriad Genetics, Inc.
Classification: Pathogenic for Familial cancer of breast. Last evaluated: 2024-02-01. Review status: criteria provided, single submitter. Criteria: Myriad Autosomal Dominant, Autosomal Recessive and X-Linked Classification Criteria (2023). Collection method: clinical testing. Allele origin: unknown.
Comment: This variant is considered pathogenic. This variant creates a termination codon and is predicted to result in premature protein truncation.

Baylor Genetics
Classification: Pathogenic for Familial cancer of breast. Last evaluated: 2024-01-18. Review status: criteria provided, single submitter. Criteria: ACMG Guidelines, 2015. Collection method: clinical testing. Allele origin: unknown.

Ambry Genetics
Classification: Pathogenic for Hereditary cancer-predisposing syndrome. Last evaluated: 2021-10-25. Review status: criteria provided, single submitter. Criteria: Ambry Variant Classification Scheme 2023. Collection method: clinical testing. Allele origin: germline.
Comment: The p.Y2755* variant (also known as c.8265T>A), located in coding exon 55 of the ATM gene, results from a T to A substitution at nucleotide position 8265. This changes the amino acid from a tyrosine to a stop codon within coding exon 55. This variant is considered to be rare based on population cohorts in the Genome Aggregation Database (gnomAD). In addition to the clinical data presented in the literature, this alteration is expected to result in loss of function by premature protein truncation or nonsense-mediated mRNA decay. As such, this alteration is interpreted as a disease-causing mutation.

Literature cited by the submitters: PubMed 23807571 (cited by Labcorp Genetics (formerly Invitae), Labcorp); PubMed 25614872 (cited by Labcorp Genetics (formerly Invitae), Labcorp); PubMed 25428789 (cited by Ambry Genetics).

NM_000051.4(ATM):c.8265T>A (p.Tyr2755Ter)

Genes: ATM (ATM serine/threonine kinase; plus strand), C11orf65 (chromosome 11 open reading frame 65; minus strand). Cytogenetic location: 11q22.3.
Variant type: single nucleotide variant.
Coding change: c.8265T>A on transcript NM_000051.4 (MANE Select); coding-DNA position 8265, T replaced by A.
Protein change: p.Tyr2755Ter; replaces tyrosine 2755 with a stop codon.
Molecular consequence: nonsense. On other transcripts: intron variant (2).
Genome position (GRCh38, 1-based): chr11:108,335,958, T>A. VCF-style: chr11-108335958-T-A. GRCh37 (hg19) VCF-style: chr11-108206685-T-A.
Other names: c.8265T>A, p.Tyr2755Ter (NM_001351834.2); c.641-26887A>T (NM_001330368.2); c.695-666A>T (NM_001351110.2); short protein forms Y2755*.
Identifiers: ClinVar variation 1455284 (VCV001455284.9), dbSNP rs758654836, ClinGen allele CA382562698.
Genomic context (GRCh38, chr11:108,335,958, plus strand): 5'-TAATACATTACTGCAGAGAAACACGGAAACTAGGAAGAGGAAATTAACTATCTGTACTTA[T>A]AAGGTAACTATTTGTACTTCTGTTAGTTCACCAAAAACATATAAAAGATGCCATTTGGTT-3'